The following is an entry in ClinVar:

NM_022166.4(XYLT1):c.130G>A (p.Glu44Lys)

Gene: XYLT1 (xylosyltransferase 1; minus strand). Cytogenetic location: 16p12.3.
Variant type: single nucleotide variant.
Coding change: c.130G>A on transcript NM_022166.4 (MANE Select); coding-DNA position 130, G replaced by A.
Protein change: p.Glu44Lys; replaces glutamic acid 44 with lysine.
Molecular consequence: missense variant.
Genome position (GRCh38, 1-based): chr16:17,470,667, C>T on the plus strand (G>A on the coding strand, the complement: XYLT1 is on the minus strand). VCF-style: chr16-17470667-C-T. GRCh37 (hg19) VCF-style: chr16-17564524-C-T.
Other names: short protein forms E44K.
Identifiers: ClinVar variation 1355834 (VCV001355834.6), dbSNP rs2141970457, ClinGen allele CA395220335.

ClinVar aggregate classification (germline): Uncertain significance (1 of 4 stars; one submission).

Conditions:
Desbuquois dysplasia 1 (DBQD1). Also called: DESBUQUOIS DYSPLASIA 1, KIM VARIANT; MICROMELIC DWARFISM WITH VERTEBRAL AND METAPHYSEAL ABNORMALITIES AND ADVANCED CARPOTARSAL OSSIFICATION. Identifiers: Orphanet 1425, MedGen C4012146, MONDO:0009629, OMIM 251450.

Submission:

Labcorp Genetics (formerly Invitae), Labcorp
Classification: Uncertain significance for Desbuquois dysplasia 1. Last evaluated: 2021-12-14. Review status: criteria provided, single submitter. Criteria: Invitae Variant Classification Sherloc (09022015). Collection method: clinical testing. Allele origin: germline.
Comment: In summary, the available evidence is currently insufficient to determine the role of this variant in disease. Therefore, it has been classified as a Variant of Uncertain Significance. Algorithms developed to predict the effect of missense changes on protein structure and function are either unavailable or do not agree on the potential impact of this missense change (SIFT: "Tolerated"; PolyPhen-2: "Not Available"; Align-GVGD: "Class C0"). This sequence change replaces glutamic acid, which is acidic and polar, with lysine, which is basic and polar, at codon 44 of the XYLT1 protein (p.Glu44Lys). This variant is not present in population databases (gnomAD no frequency). This variant has not been reported in the literature in individuals affected with XYLT1-related conditions.